The following is an entry in ClinVar:

ClinVar aggregate classification (germline): Uncertain significance (1 of 4 stars; one submission).

Submission:

GeneDx
Classification: Uncertain significance. Last evaluated: 2024-05-28. Review status: criteria provided, single submitter. Criteria: GeneDx Variant Classification Process June 2021. Collection method: clinical testing. Allele origin: germline. Affected: yes.
Comment: Not observed at significant frequency in large population cohorts (gnomAD); In silico analysis supports that this missense variant has a deleterious effect on protein structure/function; Has not been previously published as pathogenic or benign to our knowledge

NM_000092.5(COL4A4):c.4652T>C (p.Met1551Thr)

Gene: COL4A4 (collagen type IV alpha 4 chain; minus strand). Cytogenetic location: 2q36.3.
Variant type: single nucleotide variant.
Coding change: c.4652T>C on transcript NM_000092.5 (MANE Select); coding-DNA position 4652, T replaced by C.
Protein change: p.Met1551Thr; replaces methionine 1551 with threonine.
Molecular consequence: missense variant.
Genome position (GRCh38, 1-based): chr2:227,008,175, A>G on the plus strand (T>C on the coding strand, the complement: COL4A4 is on the minus strand). VCF-style: chr2-227008175-A-G. GRCh37 (hg19) VCF-style: chr2-227872891-A-G.
Other names: short protein forms M1551T.
Identifiers: ClinVar variation 3383600 (VCV003383600.1).